The following is an entry in ClinVar:

NC_000015.9:g.(44855500_44856744)_(44858504_44859621)del

Gene: SPG11 (SPG11 vesicle trafficking associated, spatacsin; minus strand). Cytogenetic location: 15q21.1.
Variant type: Deletion.
Identifiers: ClinVar variation 1705174 (VCV001705174.1).

ClinVar aggregate classification (germline): Pathogenic (1 of 4 stars; one submission).

Conditions:
Hereditary spastic paraplegia. Also called: Familial spastic paraparesis. Identifiers: Orphanet 685, MedGen C0037773, MONDO:0019064. Disease mechanism: loss of function.

Submission:

Women's Health and Genetics/Laboratory Corporation of America, LabCorp
Classification: Pathogenic for Hereditary spastic paraplegia. Last evaluated: 2022-08-02. Review status: criteria provided, single submitter. Criteria: LabCorp Variant Classification Summary - May 2015. Collection method: clinical testing. Allele origin: germline.
Comment: Variant summary: The variant identified by MLPA or other technology involves the deletion of exons 37-39 in the SPG11 gene. A presumed nomenclature of c.(6754+1_6755-1)_(7151+1_7152-1)del has been designated for the purposes of this classification. Although exact breakpoints of this deletion are not known, it is expected to result in a frameshift change in the SPG11 gene, a known mechanism of disease. The variant was absent in 21694 control chromosomes (gnomAD SV). c.(6754+1_6755-1)_(7151+1_7152-1)del has been reported in the literature in compound heterozygous individuals affected with Hereditary Spastic Paraplegia (Crimella_2009, Gunther_2016). These data indicate that the variant may be associated with disease. To our knowledge, no experimental evidence demonstrating an impact on protein function has been reported. No clinical diagnostic laboratories have submitted clinical-significance assessments for this variant to ClinVar after 2014. Based on the evidence outlined above, the variant was classified as pathogenic.

Literature cited by the submitters: PubMed 19196735; PubMed 27071356.